The following is an entry in ClinVar:

ClinVar aggregate classification (germline): Uncertain significance (1 of 4 stars; one submission).

Conditions:
Cerebral creatine deficiency syndrome. Also called: Creatine deficiency syndromes. Identifiers: Orphanet 79172, MedGen C5244016, MONDO:0000456.

Allele frequency attached by ClinVar (database versions not stated): gnomAD exomes below 0.00001 and 0.00001; ExAC 0.00001.

Submission:

Labcorp Genetics (formerly Invitae), Labcorp
Classification: Uncertain significance for Cerebral creatine deficiency syndrome. Last evaluated: 2022-06-08. Review status: criteria provided, single submitter. Criteria: Invitae Variant Classification Sherloc (09022015). Collection method: clinical testing. Allele origin: germline.
Comment: This sequence change replaces lysine, which is basic and polar, with glutamic acid, which is acidic and polar, at codon 77 of the GAMT protein (p.Lys77Glu). This variant is present in population databases (rs780909879, gnomAD 0.007%). This variant has not been reported in the literature in individuals affected with GAMT-related conditions. Algorithms developed to predict the effect of missense changes on protein structure and function are either unavailable or do not agree on the potential impact of this missense change (SIFT: "Deleterious"; PolyPhen-2: "Benign"; Align-GVGD: "Class C15"). In summary, the available evidence is currently insufficient to determine the role of this variant in disease. Therefore, it has been classified as a Variant of Uncertain Significance.

NM_000156.6(GAMT):c.229A>G (p.Lys77Glu)

Gene: GAMT (guanidinoacetate N-methyltransferase; minus strand). Cytogenetic location: 19p13.3.
Variant type: single nucleotide variant.
Coding change: c.229A>G on transcript NM_000156.6 (MANE Select); coding-DNA position 229, A replaced by G.
Protein change: p.Lys77Glu; replaces lysine 77 with glutamic acid.
Molecular consequence: missense variant.
Genome position (GRCh38, 1-based): chr19:1,399,891, T>C on the plus strand (A>G on the coding strand, the complement: GAMT is on the minus strand). VCF-style: chr19-1399891-T-C. GRCh37 (hg19) VCF-style: chr19-1399890-T-C.
Other names: c.229A>G, p.Lys77Glu (NM_138924.3); short protein forms K77E.
Identifiers: ClinVar variation 1388533 (VCV001388533.5), dbSNP rs780909879, ClinGen allele CA9043760.